The following is an entry in ClinVar:

ClinVar aggregate classification (germline): Uncertain significance (1 of 4 stars; one submission).

Conditions:
Brugada syndrome 5 (BRGDA5). Identifiers: Orphanet 130, Orphanet 871, MedGen C2748541, MONDO:0013015, OMIM 612838.

Submission:

Labcorp Genetics (formerly Invitae), Labcorp
Classification: Uncertain significance for Brugada syndrome 5. Last evaluated: 2025-08-20. Review status: criteria provided, single submitter. Criteria: Invitae Variant Classification Sherloc (09022015). Collection method: clinical testing. Allele origin: germline.
Comment: The SCN1B gene has multiple clinically relevant transcripts. This variant occurs in alternate transcript NM_001037.5, and corresponds to NM_199037.3:c.*5601T>G (Non-coding) in the primary transcript. This sequence change disrupts the translational stop signal of the SCN1B mRNA. It is expected to extend the length of the SCN1B protein by 214 additional amino acid residues. This variant is not present in population databases (gnomAD no frequency). This variant has not been reported in the literature in individuals affected with SCN1B-related conditions. Experimental studies and prediction algorithms are not available or were not evaluated, and the functional significance of this variant is currently unknown. In summary, the available evidence is currently insufficient to determine the role of this variant in disease. Therefore, it has been classified as a Variant of Uncertain Significance.

NM_001037.5(SCN1B):c.655T>G (p.Ter219Glu)

Gene: SCN1B (sodium voltage-gated channel beta subunit 1; plus strand). Cytogenetic location: 19q13.11.
Variant type: single nucleotide variant.
Coding change: c.655T>G on transcript NM_001037.5 (MANE Select); coding-DNA position 655, T replaced by G.
Protein change: p.Ter219Glu.
Molecular consequence: stop lost.
Genome position (GRCh38, 1-based): chr19:35,039,699, T>G. VCF-style: chr19-35039699-T-G. GRCh37 (hg19) VCF-style: chr19-35530603-T-G.
Other names: c.556T>G, p.Ter186Glu (NM_001321605.2).
Identifiers: ClinVar variation 4770195 (VCV004770195.1).